The following is an entry in ClinVar:

ClinVar aggregate classification (germline): Likely pathogenic (1 of 4 stars; one submission).

Conditions:
Early-infantile DEE. Also called: Ohtahara syndrome; Early infantile epileptic encephalopathy with suppression bursts; Early infantile epileptic encephalopathy. Identifiers: Orphanet 1934, MedGen C0393706, MONDO:0800491.

Submission:

Labcorp Genetics (formerly Invitae), Labcorp
Classification: Likely pathogenic for Early-infantile DEE. Last evaluated: 2019-03-14. Review status: criteria provided, single submitter. Criteria: Invitae Variant Classification Sherloc (09022015). Collection method: clinical testing. Allele origin: germline.
Comment: This sequence change affects a donor splice site in intron 20 of the CACNA2D2 gene. It is expected to disrupt RNA splicing and likely results in an absent or disrupted protein product. This variant is not present in population databases (ExAC no frequency). This variant has not been reported in the literature in individuals with CACNA2D2-related conditions. Algorithms developed to predict the effect of sequence changes on RNA splicing suggest that this variant may disrupt the consensus splice site, but this prediction has not been confirmed by published transcriptional studies. Donor and acceptor splice site variants typically lead to a loss of protein function (PMID: 16199547), and loss-of-function variants in CACNA2D2 are known to be pathogenic (PMID: 24358150). In summary, the currently available evidence indicates that the variant is pathogenic, but additional data are needed to prove that conclusively. Therefore, this variant has been classified as Likely Pathogenic.

Literature cited by the submitters: PubMed 16199547; PubMed 24358150.

NM_006030.4(CACNA2D2):c.1845+1G>T

Gene: CACNA2D2 (calcium voltage-gated channel auxiliary subunit alpha2delta 2; minus strand). Cytogenetic location: 3p21.31.
Variant type: single nucleotide variant.
Coding change: c.1845+1G>T on transcript NM_006030.4 (MANE Select); the canonical splice donor site of the intron after coding-DNA position 1845, G replaced by T.
Molecular consequence: splice donor variant.
Genome position (GRCh38, 1-based): chr3:50,375,808, C>A on the plus strand (G>T on the coding strand, the complement: CACNA2D2 is on the minus strand). VCF-style: chr3-50375808-C-A. GRCh37 (hg19) VCF-style: chr3-50413239-C-A.
Other names: c.1638+1G>T (NM_001291101.1); c.1845+1G>T (NM_001005505.3, NM_001410768.1, NM_001174051.3).
Identifiers: ClinVar variation 847886 (VCV000847886.8), dbSNP rs1704944478, ClinGen allele CA352923938.